The following is an entry in ClinVar:

NM_001203.3(BMPR1B):c.1099C>A (p.Pro367Thr)

Gene: BMPR1B (bone morphogenetic protein receptor type 1B; plus strand). Cytogenetic location: 4q22.3.
Variant type: single nucleotide variant.
Coding change: c.1099C>A on transcript NM_001203.3 (MANE Select); coding-DNA position 1099, C replaced by A.
Protein change: p.Pro367Thr; replaces proline 367 with threonine.
Molecular consequence: missense variant.
Genome position (GRCh38, 1-based): chr4:95,148,770, C>A. VCF-style: chr4-95148770-C-A. GRCh37 (hg19) VCF-style: chr4-96069921-C-A.
Other names: c.1099C>A (NM_001203.2); c.1099C>A, p.Pro367Thr (NM_001256792.2, NM_001256794.1); c.1189C>A, p.Pro397Thr (NM_001256793.2); short protein forms P367T, P397T.
Identifiers: ClinVar variation 3751909 (VCV003751909.3).

ClinVar aggregate classification (germline): Uncertain significance. Review status: criteria provided, multiple submitters, no conflicts (2 of 4 stars). 2 submissions from 2 submitters: Uncertain significance (2). Last evaluated 2025-05-03.

Conditions:
Acromesomelic dysplasia 3 (AMD3). Also called: CHONDRODYSPLASIA, ACROMESOMELIC, WITH OR WITHOUT GENITAL ANOMALIES; Acromesomelic dysplasia, Demirhan type. Identifiers: MedGen C4225404, MONDO:0012274, OMIM 609441.
Type A2 brachydactyly (BDA2). Also called: MOHR-WRIEDT TYPE BRACHYDACTYLY; BRACHYMESOPHALANGY II; Brachymesophalangy type 2. Identifiers: Orphanet 93396, MedGen C1832702, MONDO:0007216, OMIM 112600, HP:0009372.
Inborn genetic diseases. Identifiers: MedGen C0950123, MeSH D030342.

gnomAD v4.1: 42 of 1,613,780 alleles (0.0026%); highest among the groups gnomAD compares: Admixed American, 0.0033%; no homozygotes.

Submissions (2):

Ambry Genetics
Classification: Uncertain significance for Inborn genetic diseases. Last evaluated: 2025-05-03. Review status: criteria provided, single submitter. Criteria: Ambry Variant Classification Scheme 2023. Collection method: clinical testing. Allele origin: germline.

Labcorp Genetics (formerly Invitae), Labcorp
Classification: Uncertain significance for Type A2 brachydactyly; Acromesomelic dysplasia 3. Last evaluated: 2024-02-11. Review status: criteria provided, single submitter. Criteria: Invitae Variant Classification Sherloc (09022015). Collection method: clinical testing. Allele origin: germline.
Comment: This sequence change replaces proline, which is neutral and non-polar, with threonine, which is neutral and polar, at codon 367 of the BMPR1B protein (p.Pro367Thr). This variant is present in population databases (rs148550671, gnomAD 0.002%). This variant has not been reported in the literature in individuals affected with BMPR1B-related conditions. Advanced modeling of protein sequence and biophysical properties (such as structural, functional, and spatial information, amino acid conservation, physicochemical variation, residue mobility, and thermodynamic stability) performed at Invitae indicates that this missense variant is not expected to disrupt BMPR1B protein function with a negative predictive value of 80%. In summary, the available evidence is currently insufficient to determine the role of this variant in disease. Therefore, it has been classified as a Variant of Uncertain Significance.